The following is an entry in ClinVar:

ClinVar aggregate classification (germline): Uncertain significance (1 of 4 stars; one submission).

gnomAD v4.1: 1 of 1,613,640 alleles (0.000062%); no homozygotes.

Submission:

Labcorp Genetics (formerly Invitae), Labcorp
Classification: Uncertain significance. Last evaluated: 2025-03-30. Review status: criteria provided, single submitter. Criteria: Invitae Variant Classification Sherloc (09022015). Collection method: clinical testing. Allele origin: germline.
Comment: This sequence change replaces glutamine, which is neutral and polar, with arginine, which is basic and polar, at codon 1062 of the MICAL1 protein (p.Gln1062Arg). This variant is not present in population databases (gnomAD no frequency). This variant has not been reported in the literature in individuals affected with MICAL1-related conditions. An algorithm developed to predict the effect of missense changes on protein structure and function (PolyPhen-2) suggests that this variant is likely to be tolerated. In summary, the available evidence is currently insufficient to determine the role of this variant in disease. Therefore, it has been classified as a Variant of Uncertain Significance.

NM_022765.4(MICAL1):c.3128A>G (p.Gln1043Arg)

Gene: MICAL1 (microtubule associated monooxygenase, calponin and LIM domain containing 1; minus strand). Cytogenetic location: 6q21.
Variant type: single nucleotide variant.
Coding change: c.3128A>G on transcript NM_022765.4 (MANE Select); coding-DNA position 3128, A replaced by G.
Protein change: p.Gln1043Arg; replaces glutamine 1043 with arginine.
Molecular consequence: missense variant.
Genome position (GRCh38, 1-based): chr6:109,444,267, T>C on the plus strand (A>G on the coding strand, the complement: MICAL1 is on the minus strand). VCF-style: chr6-109444267-T-C. GRCh37 (hg19) VCF-style: chr6-109765470-T-C.
Other names: c.2870A>G, p.Gln957Arg (NM_001159291.2); c.3185A>G, p.Gln1062Arg (NM_001286613.2); short protein forms Q1043R, Q1062R, Q957R.
Identifiers: ClinVar variation 4765260 (VCV004765260.1).
Genomic context (GRCh38, chr6:109,444,267, plus strand): 5'-GTCCCCAAGGCCAGCTCGCTGAGCCTGCGCTCCTCCTGGAAGCGGATGAGGGCATCTCTC[T>C]GGTTGACCAAATCCACCAGCTTCCTCAGGACCTGGTCCTCAGCCTGCCGATCAGCAGCTG-3'
Protein context (NP_073602.3, residues 1033-1053): VLRKLVDLVN[Gln1043Arg]RDALIRFQEE